The following is an entry in ClinVar:

NM_017671.5(FERMT1):c.831C>G (p.Phe277Leu)

Gene: FERMT1 (FERM domain containing kindlin 1; minus strand). Cytogenetic location: 20p12.3.
Variant type: single nucleotide variant.
Coding change: c.831C>G on transcript NM_017671.5 (MANE Select); coding-DNA position 831, C replaced by G.
Protein change: p.Phe277Leu; replaces phenylalanine 277 with leucine.
Molecular consequence: missense variant.
Genome position (GRCh38, 1-based): chr20:6,107,550, G>C on the plus strand (C>G on the coding strand, the complement: FERMT1 is on the minus strand). VCF-style: chr20-6107550-G-C. GRCh37 (hg19) VCF-style: chr20-6088197-G-C.
Other names: short protein forms F277L.
Identifiers: ClinVar variation 1444298 (VCV001444298.4), dbSNP rs768878539, ClinGen allele CA9758348.
Genomic context (GRCh38, chr20:6,107,550, plus strand): 5'-TCATATTAAAAAGAGAAAGACAAAAGAGAAAAAGTTGCTTACTTTAGGATTCAAGTCGAA[G>C]AAAGAATAATATTTAAATCGTAAGAGCAGCTGCTCATCCTCTTGGATGCCTTGTTCCATA-3'
Protein context (NP_060141.3, residues 267-287): QLLLRFKYYS[Phe277Leu]FDLNPKYDAV

ClinVar aggregate classification (germline): Uncertain significance (1 of 4 stars; one submission).

Allele frequency attached by ClinVar (database versions not stated): ExAC 0.00001; gnomAD exomes 0.00002 and 0.00004; gnomAD 0.00003; TOPMed 0.00017.
gnomAD v4.1: 15 of 1,610,400 alleles (0.00093%); highest among the groups gnomAD compares: Admixed American, 0.023%; no homozygotes.

Submission:

Labcorp Genetics (formerly Invitae), Labcorp
Classification: Uncertain significance. Last evaluated: 2024-10-25. Review status: criteria provided, single submitter. Criteria: Invitae Variant Classification Sherloc (09022015). Collection method: clinical testing. Allele origin: germline.
Comment: This sequence change replaces phenylalanine, which is neutral and non-polar, with leucine, which is neutral and non-polar, at codon 277 of the FERMT1 protein (p.Phe277Leu). This variant is present in population databases (rs768878539, gnomAD 0.03%). This variant has not been reported in the literature in individuals affected with FERMT1-related conditions. ClinVar contains an entry for this variant (Variation ID: 1444298). Invitae Evidence Modeling of protein sequence and biophysical properties (such as structural, functional, and spatial information, amino acid conservation, physicochemical variation, residue mobility, and thermodynamic stability) indicates that this missense variant is expected to disrupt FERMT1 protein function with a positive predictive value of 80%. In summary, the available evidence is currently insufficient to determine the role of this variant in disease. Therefore, it has been classified as a Variant of Uncertain Significance.